The following is an entry in ClinVar:

ClinVar aggregate classification (germline): Uncertain significance (1 of 4 stars; one submission).

Submission:

Labcorp Genetics (formerly Invitae), Labcorp
Classification: Uncertain significance. Last evaluated: 2022-03-13. Review status: criteria provided, single submitter. Criteria: Invitae Variant Classification Sherloc (09022015). Collection method: clinical testing. Allele origin: germline.
Comment: This sequence change replaces serine, which is neutral and polar, with threonine, which is neutral and polar, at codon 1950 of the PCDH15 protein (p.Ser1950Thr). This variant is not present in population databases (gnomAD no frequency). This variant has not been reported in the literature in individuals affected with PCDH15-related conditions. Algorithms developed to predict the effect of missense changes on protein structure and function output the following: SIFT: "Tolerated"; PolyPhen-2: "Not Available"; Align-GVGD: "Class C0". The threonine amino acid residue is found in multiple mammalian species, which suggests that this missense change does not adversely affect protein function. In summary, the available evidence is currently insufficient to determine the role of this variant in disease. Therefore, it has been classified as a Variant of Uncertain Significance.

NM_033056.4(PCDH15):c.5849G>C (p.Ser1950Thr)

Gene: PCDH15 (protocadherin related 15; minus strand). Cytogenetic location: 10q21.1.
Variant type: single nucleotide variant.
Coding change: c.5849G>C on transcript NM_033056.4 (MANE Plus Clinical); coding-DNA position 5849, G replaced by C.
Protein change: p.Ser1950Thr; replaces serine 1950 with threonine.
Molecular consequence: missense variant. On other transcripts: intron variant (8).
Genome position (GRCh38, 1-based): chr10:53,821,877, C>G on the plus strand (G>C on the coding strand, the complement: PCDH15 is on the minus strand). VCF-style: chr10-53821877-C-G. GRCh37 (hg19) VCF-style: chr10-55581637-C-G.
Other names: c.5870G>C, p.Ser1957Thr (NM_001142763.2); c.5855G>C, p.Ser1952Thr (NM_001142764.2); c.5642G>C, p.Ser1881Thr (NM_001142765.2); c.5840G>C, p.Ser1947Thr (NM_001142766.2); c.5729G>C, p.Ser1910Thr (NM_001142767.2); c.5789G>C, p.Ser1930Thr (NM_001142768.2); c.5780G>C, p.Ser1927Thr (NM_001142773.2); c.5783G>C, p.Ser1928Thr (NM_001354404.2); and 7 more; short protein forms S1910T, S1947T, S1927T, S1928T, S1881T, S1930T, S1950T, S1952T.
Identifiers: ClinVar variation 2111257 (VCV002111257.1), dbSNP rs2492335065, ClinGen allele CA376524074.
Genomic context (GRCh38, chr10:53,821,877, plus strand): 5'-ATCAACAAGAGGTTTGCCCGACTAAAATAAGAAAAGCAACATTACAGTGAAGTAGATTGA[C>G]TGTGAGATTGTTTTTCAGTTCCCTCGACAATATTGTTCAAACTCCCCTTGTTTTGTTCAG-3'
Protein context (NP_149045.3, residues 1940-1955): IVEGTEKQSH[Ser1950Thr]QSTSL